The following is an entry in ClinVar:

NC_000023.10:g.(?_31462578)_(31676281_?)del

Gene: DMD (dystrophin; minus strand). Cytogenetic location: Xp21.2-21.1.
Variant type: Deletion.
Identifiers: ClinVar variation 1458852 (VCV001458852.7).

ClinVar aggregate classification (germline): Pathogenic (1 of 4 stars; one submission).

Conditions:
Duchenne muscular dystrophy (DMD). Also called: Duchenne Muscular Dystrophy (DMD); MUSCULAR DYSTROPHY, PSEUDOHYPERTROPHIC PROGRESSIVE, DUCHENNE TYPE. Identifiers: Orphanet 98896, MedGen C0013264, MONDO:0010679, OMIM 310200.

Submission:

Labcorp Genetics (formerly Invitae), Labcorp
Classification: Pathogenic for Duchenne muscular dystrophy. Last evaluated: 2020-10-30. Review status: criteria provided, single submitter. Criteria: Invitae Variant Classification Sherloc (09022015). Collection method: clinical testing. Allele origin: germline.
Comment: For these reasons, this variant has been classified as Pathogenic. The region of the DMD gene that includes exon(s) 54-55 has been determined to be clinically significant (PMID: 9628192, 19937601, 19367636, 28503591). Therefore, deletions that encompass that region are likely to disrupt protein function and cause disease. A similar deletion has been observed in individual(s) with Duchenne muscular dystrophy (PMID: 16049303). This variant is an in-frame deletion of the genomic region encompassing exons 54-60 of the DMD gene. It preserves the integrity of the reading frame.

Literature cited by the submitters: PubMed 9628192; PubMed 19937601; PubMed 19367636; PubMed 28503591; PubMed 16049303.